The following is an entry in ClinVar:

ClinVar aggregate classification (germline): Uncertain significance (1 of 4 stars; one submission).

Conditions:
Alpha thalassemia-X-linked intellectual disability syndrome (ATRX). Also called: ALPHA-THALASSEMIA/MENTAL RETARDATION SYNDROME, X-LINKED; ATR, NONDELETION TYPE; ATR-X syndrome; Alpha thalassemia mental retardation syndrome, nondeletion type, X-linked; XLMR hypotonic face syndrome; X-linked alpha-thalassemia-mental retardation syndrome. Identifiers: Orphanet 847, MedGen C1845055, MONDO:0010519, OMIM 301040.

Submission:

Labcorp Genetics (formerly Invitae), Labcorp
Classification: Uncertain significance for Alpha thalassemia-X-linked intellectual disability syndrome. Last evaluated: 2025-01-19. Review status: criteria provided, single submitter. Criteria: Invitae Variant Classification Sherloc (09022015). Collection method: clinical testing. Allele origin: germline.
Comment: This sequence change replaces glutamine, which is neutral and polar, with histidine, which is basic and polar, at codon 1213 of the ATRX protein (p.Gln1213His). This variant is not present in population databases (gnomAD no frequency). This variant has not been reported in the literature in individuals affected with ATRX-related conditions. ClinVar contains an entry for this variant (Variation ID: 2713345). Invitae Evidence Modeling of protein sequence and biophysical properties (such as structural, functional, and spatial information, amino acid conservation, physicochemical variation, residue mobility, and thermodynamic stability) indicates that this missense variant is not expected to disrupt ATRX protein function with a negative predictive value of 95%. In summary, the available evidence is currently insufficient to determine the role of this variant in disease. Therefore, it has been classified as a Variant of Uncertain Significance.

NM_000489.6(ATRX):c.3639G>C (p.Gln1213His)

Gene: ATRX (ATRX chromatin remodeler; minus strand). Cytogenetic location: Xq21.1.
Variant type: single nucleotide variant.
Coding change: c.3639G>C on transcript NM_000489.6 (MANE Select); coding-DNA position 3639, G replaced by C.
Protein change: p.Gln1213His; replaces glutamine 1213 with histidine.
Molecular consequence: missense variant.
Genome position (GRCh38, 1-based): chrX:77,681,617, C>G on the plus strand (G>C on the coding strand, the complement: ATRX is on the minus strand). VCF-style: chrX-77681617-C-G. GRCh37 (hg19) VCF-style: chrX-76937109-C-G.
Other names: c.3525G>C, p.Gln1175His (NM_138270.5); short protein forms Q1213H, Q1175H.
Identifiers: ClinVar variation 2713345 (VCV002713345.3), dbSNP rs1557136961, ClinGen allele CA413705914.
Genomic context (GRCh38, chrX:77,681,617, plus strand): 5'-TAAATTTTCAGTCACAGGCTTAATTTTCTGTTCATCGCTGCTTCCCTCACCTATAGAATT[C>G]TGATCATCATCTTCTATATCAGAAGAAGATGAGGATGTAATGTCAGCTTGCTTCCTTTTA-3'
Protein context (NP_000480.3, residues 1203-1223): SSSSDIEDDD[Gln1213His]NSIGEGSSDE